The following is an entry in ClinVar:

ClinVar aggregate classification (germline): Uncertain significance (1 of 4 stars; one submission).

Conditions:
Catecholaminergic polymorphic ventricular tachycardia (CVPT). Also called: Catecholamine-induced polymorphic ventricular tachycardia. Identifiers: Orphanet 3286, MedGen C5574922, MONDO:0017990.

Submission:

All of Us Research Program, National Institutes of Health
Classification: Uncertain significance for Catecholaminergic polymorphic ventricular tachycardia. Last evaluated: 2023-12-13. Review status: criteria provided, single submitter. Criteria: ACMG Guidelines, 2015. Collection method: clinical testing. Allele origin: germline. Inheritance: Autosomal dominant inheritance. Observed: 1 variant allele, 1 heterozygote.
Comment: This missense variant replaces isoleucine with serine at codon 1822 of the RYR2 protein. Computational prediction is inconclusive regarding the impact of this variant on protein structure and function (internally defined REVEL score threshold 0.5 < inconclusive < 0.7, PMID: 27666373). To our knowledge, functional studies have not been reported for this variant. This variant has not been reported in individuals affected with RYR2-related disorders in the literature. This variant has not been identified in the general population by the Genome Aggregation Database (gnomAD). The available evidence is insufficient to determine the role of this variant in disease conclusively. Therefore, this variant is classified as a Variant of Uncertain Significance.

This study involves interpretation of variants in research participants for the purpose of population health screening. Participant phenotype was not available at the time of variant classification. Additional details can be found in publication PMID: 35346344, PMCID: PMC8962531

NM_001035.3(RYR2):c.5465T>G (p.Ile1822Ser)

Gene: RYR2 (ryanodine receptor 2; plus strand). Cytogenetic location: 1q43.
Variant type: single nucleotide variant.
Coding change: c.5465T>G on transcript NM_001035.3 (MANE Select); coding-DNA position 5465, T replaced by G.
Protein change: p.Ile1822Ser; replaces isoleucine 1822 with serine.
Molecular consequence: missense variant.
Genome position (GRCh38, 1-based): chr1:237,614,593, T>G. VCF-style: chr1-237614593-T-G. GRCh37 (hg19) VCF-style: chr1-237777893-T-G.
Other names: short protein forms I1822S.
Identifiers: ClinVar variation 3074901 (VCV003074901.1), dbSNP rs2546795813, ClinGen allele CA345405081.